The following is an entry in ClinVar:

ClinVar aggregate classification (germline): Conflicting classifications of pathogenicity. Review status: criteria provided, conflicting classifications (1 of 4 stars). 5 submissions from 5 submitters: Uncertain significance (3); Likely benign (1). 1 of the submissions does not count toward it. Last evaluated 2025-11-18.

Conditions:
COL2A1-related disorder. Also called: COL2A1-related condition; COL2A1-related disorders.
Kniest dysplasia. Identifiers: Orphanet 485, MedGen C0265279, MONDO:0007987, OMIM 156550.

Allele frequency attached by ClinVar (database versions not stated): TOPMed 0.00002.
gnomAD v4.1: 14 of 1,563,044 alleles (0.0009%); highest among the groups gnomAD compares: Admixed American, 0.0038%; no homozygotes.

Submissions (5):

Labcorp Genetics (formerly Invitae), Labcorp
Classification: Likely benign. Last evaluated: 2025-11-18. Review status: criteria provided, single submitter. Criteria: Invitae Variant Classification Sherloc (09022015). Collection method: clinical testing. Allele origin: germline.

Revvity Omics, Revvity
Classification: Uncertain significance. Last evaluated: 2022-04-19. Review status: criteria provided, single submitter. Criteria: ACMG Guidelines, 2015. Collection method: clinical testing. Allele origin: germline.

Institute of Human Genetics, University of Leipzig Medical Center
Classification: Uncertain significance for Kniest dysplasia. Last evaluated: 2020-01-20. Review status: criteria provided, single submitter. Criteria: ACMG Guidelines, 2015. Collection method: clinical testing. Allele origin: germline. Affected: yes. Observed: 1 variant allele.

ARUP Laboratories, Molecular Genetics and Genomics, ARUP Laboratories
Classification: Uncertain significance. Last evaluated: 2016-09-15. Review status: criteria provided, single submitter. Criteria: ARUP Molecular Germline Variant Investigation Process. Collection method: clinical testing. Allele origin: germline.

PreventionGenetics, part of Exact Sciences
Classification: Uncertain significance for COL2A1-related condition. Last evaluated: 2024-09-27. Review status: no assertion criteria provided. Collection method: clinical testing. Allele origin: germline. Not counted in ClinVar's aggregate classification.
Comment: The COL2A1 c.1453G>A variant is predicted to result in the amino acid substitution p.Ala485Thr. To our knowledge, this variant has not been reported in the literature. This variant is reported in 0.0076% of alleles in individuals of Latino descent in gnomAD. At this time, the clinical significance of this variant is uncertain due to the absence of conclusive functional and genetic evidence.

NM_001844.5(COL2A1):c.1453G>A (p.Ala485Thr)

Gene: COL2A1 (collagen type II alpha 1 chain; minus strand). Cytogenetic location: 12q13.11.
Variant type: single nucleotide variant.
Coding change: c.1453G>A on transcript NM_001844.5 (MANE Select); coding-DNA position 1453, G replaced by A.
Protein change: p.Ala485Thr; replaces alanine 485 with threonine.
Molecular consequence: missense variant.
Genome position (GRCh38, 1-based): chr12:47,986,410, C>T on the plus strand (G>A on the coding strand, the complement: COL2A1 is on the minus strand). VCF-style: chr12-47986410-C-T. GRCh37 (hg19) VCF-style: chr12-48380193-C-T.
Other names: c.1246G>A, p.Ala416Thr (NM_033150.3); short protein forms A485T, A416T.
Identifiers: ClinVar variation 439508 (VCV000439508.20), dbSNP rs556023617, ClinGen allele CA236527658.